The following is an entry in ClinVar:

NM_000202.8(IDS):c.443A>T (p.Asp148Val)

Genes: IDS (iduronate 2-sulfatase; minus strand), LOC106050102 (IDS recombination region; plus strand). Cytogenetic location: Xq28.
Variant type: single nucleotide variant.
Coding change: c.443A>T on transcript NM_000202.8 (MANE Select); coding-DNA position 443, A replaced by T.
Protein change: p.Asp148Val; replaces aspartic acid 148 with valine.
Molecular consequence: missense variant. On other transcripts: non-coding transcript variant (1).
Genome position (GRCh38, 1-based): chrX:149,501,013, T>A on the plus strand (A>T on the coding strand, the complement: IDS is on the minus strand). VCF-style: chrX-149501013-T-A. GRCh37 (hg19) VCF-style: chrX-148582544-T-A.
Other names: c.173A>T, p.Asp58Val (NM_001166550.4); c.443A>T, p.Asp148Val (NM_006123.5); short protein forms D148V, D58V.
Identifiers: ClinVar variation 3255732 (VCV003255732.2).
Genomic context (GRCh38, chrX:149,501,013, plus strand): 5'-GTGTTTTCATACTTCTCAGAGGAAGGATGATAAGGTGGAAAAGACCAGCTATACGGAGAA[T>A]CATCGGTATGGTTAGAAGATATCCCTTGGAAAAAAAAAAAGGTTGTTAAAACATGATGAG-3'
Protein context (NP_000193.1, residues 138-158): HPGISSNHTD[Asp148Val]SPYSWSFPPY

ClinVar aggregate classification (germline): Pathogenic (1 of 4 stars; one submission).

Conditions:
Mucopolysaccharidosis, MPS-II (MPS2). Also called: Hunter Syndrome; IDURONATE 2-SULFATASE DEFICIENCY; Mucopolysaccharidosis Type II; Mucopolysaccharidosis type 2; Attenuated MPS (subtype; formerly known as mild MPS II); Severe MPS II. Identifiers: Orphanet 580, Orphanet 79388, MedGen C0026705, MONDO:0010674, OMIM 309900.

Submission:

Laboratory of Diagnosis and Therapy of Lysosomal Disorders, University of Padova
Classification: Pathogenic for Mucopolysaccharidosis, MPS-II. Last evaluated: 2024-06-07. Review status: criteria provided, single submitter. Criteria: ACMG Guidelines, 2015. Collection method: literature only. Allele origin: germline. Affected: yes. Observed: 1 variant allele.
Comment: In vitro or in vivo functional studies supportive of a damaging effect (PS3_Strong), Absent from controls (or at low frequency) in gnomAD database (PM2_Moderate), Missense variant in a gene with a low rate of benign missense variation (PP2_Supporting), Multiple lines of computational evidence support a deleterious effect (PP3_Supporting), Patient’s phenotype or family history highly specific for the disease (PP4_Strong)

Classification method: ACMG Guidelines [PMID:25741868] with modifications

Literature cited by the submitters: PubMed 18500569.